The following is an entry in ClinVar:

ClinVar aggregate classification (germline): Uncertain significance (1 of 4 stars; one submission).

Conditions:
Inborn genetic diseases. Identifiers: MedGen C0950123, MeSH D030342.

gnomAD v4.1: 2 of 1,613,568 alleles (0.00012%); highest among the groups gnomAD compares: South Asian, 0.0011%; no homozygotes.

Submission:

Ambry Genetics
Classification: Uncertain significance for Inborn genetic diseases. Last evaluated: 2025-08-19. Review status: criteria provided, single submitter. Criteria: Ambry Variant Classification Scheme 2023. Collection method: clinical testing. Allele origin: germline.
Comment: The p.Q428K variant (also known as c.1282C>A), located in coding exon 1 of the SAMD9L gene, results from a C to A substitution at nucleotide position 1282. The glutamine at codon 428 is replaced by lysine, an amino acid with similar properties. This amino acid position is conserved. In addition, this alteration is predicted to be tolerated by in silico analysis. Based on the available evidence, the clinical significance of this variant remains unclear.

NM_152703.5(SAMD9L):c.1282C>A (p.Gln428Lys)

Gene: SAMD9L (sterile alpha motif domain containing 9 like; minus strand). Cytogenetic location: 7q21.2.
Variant type: single nucleotide variant.
Coding change: c.1282C>A on transcript NM_152703.5 (MANE Select); coding-DNA position 1282, C replaced by A.
Protein change: p.Gln428Lys; replaces glutamine 428 with lysine.
Molecular consequence: missense variant.
Genome position (GRCh38, 1-based): chr7:93,134,690, G>T on the plus strand (C>A on the coding strand, the complement: SAMD9L is on the minus strand). VCF-style: chr7-93134690-G-T. GRCh37 (hg19) VCF-style: chr7-92764003-G-T.
Other names: c.1282C>A, p.Gln428Lys (NM_001303496.3, NM_001303497.3, NM_001303498.3 and 5 more transcripts); short protein forms Q428K.
Identifiers: ClinVar variation 4159421 (VCV004159421.1).